The following is an entry in ClinVar:

ClinVar aggregate classification (germline): Uncertain significance. Review status: criteria provided, multiple submitters, no conflicts (2 of 4 stars). 2 submissions from 2 submitters: Uncertain significance (2). Last evaluated 2025-06-18.

Conditions:
Inborn genetic diseases. Identifiers: MedGen C0950123, MeSH D030342.

Allele frequency attached by ClinVar (database versions not stated): gnomAD exomes below 0.00001.
gnomAD v4.1: 1 of 1,614,170 alleles (0.000062%); highest among the groups gnomAD compares: Non-Finnish European, 0.000085%; no homozygotes.

Submissions (2):

Ambry Genetics
Classification: Uncertain significance for Inborn genetic diseases. Last evaluated: 2025-06-18. Review status: criteria provided, single submitter. Criteria: Ambry Variant Classification Scheme 2023. Collection method: clinical testing. Allele origin: germline.

Labcorp Genetics (formerly Invitae), Labcorp
Classification: Uncertain significance. Last evaluated: 2021-09-04. Review status: criteria provided, single submitter. Criteria: Invitae Variant Classification Sherloc (09022015). Collection method: clinical testing. Allele origin: germline.
Comment: This variant has not been reported in the literature in individuals affected with USH2A-related conditions. Algorithms developed to predict the effect of missense changes on protein structure and function (SIFT, PolyPhen-2, Align-GVGD) all suggest that this variant is likely to be tolerated. In summary, the available evidence is currently insufficient to determine the role of this variant in disease. Therefore, it has been classified as a Variant of Uncertain Significance. This variant is not present in population databases (ExAC no frequency). This sequence change replaces threonine with lysine at codon 4885 of the USH2A protein (p.Thr4885Lys). The threonine residue is moderately conserved and there is a moderate physicochemical difference between threonine and lysine.

NM_206933.4(USH2A):c.14654C>A (p.Thr4885Lys)

Gene: USH2A (usherin; minus strand). Cytogenetic location: 1q41.
Variant type: single nucleotide variant.
Coding change: c.14654C>A on transcript NM_206933.4 (MANE Select); coding-DNA position 14654, C replaced by A.
Protein change: p.Thr4885Lys; replaces threonine 4885 with lysine.
Molecular consequence: missense variant.
Genome position (GRCh38, 1-based): chr1:215,647,659, G>T on the plus strand (C>A on the coding strand, the complement: USH2A is on the minus strand). VCF-style: chr1-215647659-G-T. GRCh37 (hg19) VCF-style: chr1-215821001-G-T.
Other names: c.14654C>A (NM_206933.2); short protein forms T4885K.
Identifiers: ClinVar variation 1379529 (VCV001379529.7), dbSNP rs2102642208, ClinGen allele CA344831787.